The following is an entry in ClinVar:

NM_001037.5(SCN1B):c.8G>T (p.Arg3Met)

Gene: SCN1B (sodium voltage-gated channel beta subunit 1; plus strand). Cytogenetic location: 19q13.11.
Variant type: single nucleotide variant.
Coding change: c.8G>T on transcript NM_001037.5 (MANE Select); coding-DNA position 8, G replaced by T.
Protein change: p.Arg3Met; replaces arginine 3 with methionine.
Molecular consequence: missense variant.
Genome position (GRCh38, 1-based): chr19:35,030,828, G>T. VCF-style: chr19-35030828-G-T. GRCh37 (hg19) VCF-style: chr19-35521732-G-T.
Other names: c.8G>T, p.Arg3Met (NM_199037.5); short protein forms R3M.
Identifiers: ClinVar variation 1302666 (VCV001302666.7), dbSNP rs2151745336, ClinGen allele CA405327798.

ClinVar aggregate classification (germline): Uncertain significance. Review status: criteria provided, multiple submitters, no conflicts (2 of 4 stars). 3 submissions from 3 submitters: Uncertain significance (3). Last evaluated 2025-02-18.

Conditions:
Cardiovascular phenotype. Identifiers: MedGen CN230736.
Brugada syndrome 5 (BRGDA5). Identifiers: Orphanet 130, Orphanet 871, MedGen C2748541, MONDO:0013015, OMIM 612838.

gnomAD v4.1: 7 of 1,088,152 alleles (0.00064%); highest among the groups gnomAD compares: Non-Finnish European, 0.00081%; no homozygotes.

Submissions (3):

Labcorp Genetics (formerly Invitae), Labcorp
Classification: Uncertain significance for Brugada syndrome 5. Last evaluated: 2025-02-18. Review status: criteria provided, single submitter. Criteria: Invitae Variant Classification Sherloc (09022015). Collection method: clinical testing. Allele origin: germline.
Comment: This sequence change replaces arginine, which is basic and polar, with methionine, which is neutral and non-polar, at codon 3 of the SCN1B protein (p.Arg3Met). This variant is not present in population databases (gnomAD no frequency). This variant has not been reported in the literature in individuals affected with SCN1B-related conditions. ClinVar contains an entry for this variant (Variation ID: 1302666). Experimental studies and prediction algorithms are not available or were not evaluated, and the functional significance of this variant is currently unknown. In summary, the available evidence is currently insufficient to determine the role of this variant in disease. Therefore, it has been classified as a Variant of Uncertain Significance.

Ambry Genetics
Classification: Uncertain significance for Cardiovascular phenotype. Last evaluated: 2022-10-27. Review status: criteria provided, single submitter. Criteria: Ambry Variant Classification Scheme 2023. Collection method: clinical testing. Allele origin: germline.
Comment: The p.R3M variant (also known as c.8G>T), located in coding exon 1 of the SCN1B gene, results from a G to T substitution at nucleotide position 8. The arginine at codon 3 is replaced by methionine, an amino acid with similar properties. This amino acid position is conserved. In addition, the in silico prediction for this alteration is inconclusive. Since supporting evidence is limited at this time, the clinical significance of this alteration remains unclear.

GeneDx
Classification: Uncertain significance. Last evaluated: 2019-04-11. Review status: criteria provided, single submitter. Criteria: GeneDx Variant Classification Process June 2021. Collection method: clinical testing. Allele origin: germline. Affected: yes.
Comment: Not observed in large population cohorts (Lek et al., 2016); In silico analysis, which includes protein predictors and evolutionary conservation, supports that this variant does not alter protein structure/function; Has not been previously published as pathogenic or benign to our knowledge